The following is an entry in ClinVar:

NM_005188.4(CBL):c.2531G>A (p.Ser844Asn)

Gene: CBL (Cbl proto-oncogene; plus strand). Cytogenetic location: 11q23.3.
Variant type: single nucleotide variant.
Coding change: c.2531G>A on transcript NM_005188.4 (MANE Select); coding-DNA position 2531, G replaced by A.
Protein change: p.Ser844Asn; replaces serine 844 with asparagine.
Molecular consequence: missense variant.
Genome position (GRCh38, 1-based): chr11:119,299,591, G>A. VCF-style: chr11-119299591-G-A. GRCh37 (hg19) VCF-style: chr11-119170301-G-A.
Other names: c.2531G>A (NM_005188.2); short protein forms S844N.
Identifiers: ClinVar variation 2720518 (VCV002720518.4), dbSNP rs1288047359, ClinGen allele CA382932410.
Genomic context (GRCh38, chr11:119,299,591, plus strand): 5'-CAAAACCATTCCCGCGGAGAATCAACTCTGAACGGAAAGCTGGCAGCTGTCAGCAAGGTA[G>A]TGGTCCTGCCGCCTCTGCTGCCACCGCCTCACCTCAGCTCTCCAGTGAGATCGAGAACCT-3'
Protein context (NP_005179.2, residues 834-854): ERKAGSCQQG[Ser844Asn]GPAASAATAS

ClinVar aggregate classification (germline): Uncertain significance. Review status: criteria provided, multiple submitters, no conflicts (2 of 4 stars). 2 submissions from 2 submitters: Uncertain significance (2). Last evaluated 2025-04-28.

Conditions:
RASopathy. Also called: Noonan spectrum disorder; rasopathies. Identifiers: Orphanet 536391, MedGen C5555857, MONDO:0021060.
Cardiovascular phenotype. Identifiers: MedGen CN230736.

gnomAD v4.1: 1 of 1,614,186 alleles (0.000062%); highest among the groups gnomAD compares: Non-Finnish European, 0.000085%; no homozygotes.

Submissions (2):

Ambry Genetics
Classification: Uncertain significance for Cardiovascular phenotype. Last evaluated: 2025-04-28. Review status: criteria provided, single submitter. Criteria: Ambry Variant Classification Scheme 2023. Collection method: clinical testing. Allele origin: germline.
Comment: The p.S844N variant (also known as c.2531G>A), located in coding exon 16 of the CBL gene, results from a G to A substitution at nucleotide position 2531. The serine at codon 844 is replaced by asparagine, an amino acid with highly similar properties. This amino acid position is conserved. In addition, this alteration is predicted to be tolerated by in silico analysis. Based on the available evidence, the clinical significance of this variant remains unclear.

Labcorp Genetics (formerly Invitae), Labcorp
Classification: Uncertain significance for RASopathy. Last evaluated: 2023-02-08. Review status: criteria provided, single submitter. Criteria: Invitae Variant Classification Sherloc (09022015). Collection method: clinical testing. Allele origin: germline.
Comment: This sequence change replaces serine, which is neutral and polar, with asparagine, which is neutral and polar, at codon 844 of the CBL protein (p.Ser844Asn). This variant is not present in population databases (gnomAD no frequency). This variant has not been reported in the literature in individuals affected with CBL-related conditions. Advanced modeling of protein sequence and biophysical properties (such as structural, functional, and spatial information, amino acid conservation, physicochemical variation, residue mobility, and thermodynamic stability) performed at Invitae indicates that this missense variant is not expected to disrupt CBL protein function. Algorithms developed to predict the effect of sequence changes on RNA splicing suggest that this variant may create or strengthen a splice site. In summary, the available evidence is currently insufficient to determine the role of this variant in disease. Therefore, it has been classified as a Variant of Uncertain Significance.